The following is an entry in ClinVar:

NM_002224.4(ITPR3):c.2388G>A (p.Pro796=)

Gene: ITPR3 (inositol 1,4,5-trisphosphate receptor type 3; plus strand). Cytogenetic location: 6p21.31.
Variant type: single nucleotide variant.
Coding change: c.2388G>A on transcript NM_002224.4 (MANE Select); coding-DNA position 2388, G replaced by A.
Protein change: p.Pro796=; no amino-acid change (proline 796 retained).
Molecular consequence: synonymous variant.
Genome position (GRCh38, 1-based): chr6:33,670,523, G>A. VCF-style: chr6-33670523-G-A. GRCh37 (hg19) VCF-style: chr6-33638300-G-A.
Identifiers: ClinVar variation 1235627 (VCV001235627.5), dbSNP rs17526232, ClinGen allele CA3760551.
Genomic context (GRCh38, chr6:33,670,523, plus strand): 5'-CTTCTGCCACCTGATGCTGCACGTGCACGTGGACCGTGACCCCCAGGAGCTGGTCACGCC[G>A]GTCAAGTTTGCCCGTCTCTGGACTGAGATCCCCACAGCCATCACCATCAAGGAGTGAGAG-3'
Protein context (NP_002215.2, residues 786-806): VDRDPQELVT[Pro796=]VKFARLWTEI

ClinVar aggregate classification (germline): Benign. Review status: criteria provided, single submitter (1 of 4 stars). 2 submissions from 2 submitters: Benign (1). 1 of the submissions does not count toward it. Last evaluated 2021-05-04.

Conditions:
ITPR3-related disorder. Also called: ITPR3-related condition.

Allele frequency attached by ClinVar (database versions not stated): ESP Exome Variant Server 0.00861; TOPMed 0.00983; gnomAD 0.01142 and 0.01511; gnomAD exomes 0.02772; ExAC 0.02829; 1000 Genomes Project 30x 0.03873; 1000 Genomes Project 0.04014.
gnomAD v4.1: 28,439 of 1,613,698 alleles (1.8%); highest among the groups gnomAD compares: South Asian, 10%; 899 homozygotes.

Submissions (2):

GeneDx
Classification: Benign. Last evaluated: 2021-05-04. Review status: criteria provided, single submitter. Criteria: GeneDx Variant Classification Process June 2021. Collection method: clinical testing. Allele origin: germline. Affected: yes.

PreventionGenetics, part of Exact Sciences
Classification: Benign for ITPR3-related condition. Last evaluated: 2019-02-22. Review status: no assertion criteria provided. Collection method: clinical testing. Allele origin: germline. Not counted in ClinVar's aggregate classification.
Comment: This variant is classified as benign based on ACMG/AMP sequence variant interpretation guidelines (Richards et al. 2015 PMID: 25741868, with internal and published modifications).